The following is an entry in ClinVar:

NC_000001.11:g.(?_156114899)_(156126243_?)del

Genes: LMNA (lamin A/C; plus strand), LOC120893162 (Sharpr-MPRA regulatory region 4592; plus strand), LOC129931597 (ATAC-STARR-seq lymphoblastoid silent region 1421; plus strand), LOC129931598 (ATAC-STARR-seq lymphoblastoid active region 1843; plus strand), LOC129931599 (ATAC-STARR-seq lymphoblastoid active region 1845; plus strand). Cytogenetic location: 1q22.
Variant type: Deletion.
Identifiers: ClinVar variation 543299 (VCV000543299.1).

ClinVar aggregate classification (germline): Pathogenic (1 of 4 stars; one submission).

Conditions:
Charcot-Marie-Tooth disease type 2. Also called: Charcot-Marie-Tooth type 2. Identifiers: Orphanet 64746, MedGen C0270914, MONDO:0018993.

Submission:

Labcorp Genetics (formerly Invitae), Labcorp
Classification: Pathogenic for Charcot-Marie-Tooth disease type 2. Last evaluated: 2018-01-05. Review status: criteria provided, single submitter. Criteria: Invitae Variant Classification Sherloc (09022015). Collection method: clinical testing. Allele origin: germline.
Comment: This variant is a gross deletion of the genomic region encompassing exon 1 of the LMNA gene, which includes the initiator codon. The 5' end of this event is unknown as it extends beyond the assayed region for this gene and therefore may encompass additional genes. The 3' boundary is likely confined to intron 1 of the LMNA gene. This is expected to result in an absent or disrupted protein product. This variant has been reported to segregate with dilated cardiomyopathy (DCM) in a large multigenerational family, and has been also found in independent individuals affected with DCM and cardiac conduction defect (PMID: 16407522,Â¬â€ 17599607, 27066507). Loss-of-function variants in LMNA are known to be pathogenic (PMID: 18585512, 18926329). For these reasons, this variant has been classified as Pathogenic.

Literature cited by the submitters: PubMed 16407522.